The following is an entry in ClinVar:

NM_001142800.2(EYS):c.9178A>C (p.Ile3060Leu)

Genes: EYS (eyes shut homolog; minus strand), PHF3 (PHD finger protein 3; plus strand). Cytogenetic location: 6q12.
Variant type: single nucleotide variant.
Coding change: c.9178A>C on transcript NM_001142800.2 (MANE Select); coding-DNA position 9178, A replaced by C.
Protein change: p.Ile3060Leu; replaces isoleucine 3060 with leucine.
Molecular consequence: missense variant. On other transcripts: 3 prime UTR variant (5).
Genome position (GRCh38, 1-based): chr6:63,720,853, T>G on the plus strand (A>C on the coding strand, the complement: EYS is on the minus strand). VCF-style: chr6-63720853-T-G. GRCh37 (hg19) VCF-style: chr6-64430749-T-G.
Other names: c.*7145T>G (NM_001290259.2, NM_001370348.2, NM_001370349.2 and 2 more transcripts); c.9241A>C, p.Ile3081Leu (NM_001292009.2); short protein forms I3060L, I3081L.
Identifiers: ClinVar variation 2503963 (VCV002503963.2), dbSNP rs1241279569, ClinGen allele CA364383077.

ClinVar aggregate classification (germline): Uncertain significance (1 of 4 stars; one submission).

gnomAD v4.1: 5 of 1,551,252 alleles (0.00032%); highest among the groups gnomAD compares: Admixed American, 0.002%; no homozygotes.

Submission:

Women's Health and Genetics/Laboratory Corporation of America, LabCorp
Classification: Uncertain significance. Last evaluated: 2024-04-05. Review status: criteria provided, single submitter. Criteria: LabCorp Variant Classification Summary - May 2015. Collection method: clinical testing. Allele origin: germline.
Comment: Variant summary: EYS c.9178A>C (p.Ile3060Leu) results in a conservative amino acid change located in the laminin G domain (IPR001791) of the encoded protein sequence. Five of five in-silico tools predict a benign effect of the variant on protein function. The variant was absent in 156968 control chromosomes. The available data on variant occurrences in the general population are insufficient to allow any conclusion about variant significance. c.9178A>C has been reported in the literature in at least one compound heterozygous state in an individual affected with Retinitis Pigmentosa (e.g. Mucciolo_2018). These data do not allow any conclusion about variant significance. To our knowledge, no experimental evidence demonstrating an impact on protein function has been reported. The following publication has been ascertained in the context of this evaluation (PMID: 30153090). ClinVar contains an entry for this variant (Variation ID: 2503963). Based on the evidence outlined above, the variant was classified as uncertain significance.

Literature cited by the submitters: PubMed 30153090.